The following is an entry in ClinVar:

ClinVar aggregate classification (germline): Uncertain significance (1 of 4 stars; one submission).

Conditions:
SETX-related disorder. Also called: SETX-related disorders; SETX-related condition. Identifiers: MedGen CN239403.

gnomAD v4.1: 3 of 1,613,752 alleles (0.00019%); highest among the groups gnomAD compares: African/African-American, 0.0013%; no homozygotes.

Submission:

PreventionGenetics, part of Exact Sciences
Classification: Uncertain significance for SETX-related condition. Last evaluated: 2025-04-03. Review status: criteria provided, single submitter. Criteria: ACMG Guidelines, 2015. Collection method: clinical testing. Allele origin: germline.
Comment: The SETX c.229A>G variant is predicted to result in the amino acid substitution p.Met77Val. To our knowledge, this variant has not been reported in the literature or in a large population database (gnomAD), indicating this variant is rare. At this time, the clinical significance of this variant is uncertain due to the absence of conclusive functional and genetic evidence.

NM_015046.7(SETX):c.229A>G (p.Met77Val)

Gene: SETX (senataxin; minus strand). Cytogenetic location: 9q34.13.
Variant type: single nucleotide variant.
Coding change: c.229A>G on transcript NM_015046.7 (MANE Select); coding-DNA position 229, A replaced by G.
Protein change: p.Met77Val; replaces methionine 77 with valine.
Molecular consequence: missense variant.
Genome position (GRCh38, 1-based): chr9:132,346,420, T>C on the plus strand (A>G on the coding strand, the complement: SETX is on the minus strand). VCF-style: chr9-132346420-T-C. GRCh37 (hg19) VCF-style: chr9-135221807-T-C.
Other names: c.229A>G, p.Met77Val (NM_001351527.2, NM_001351528.2); short protein forms M77V.
Identifiers: ClinVar variation 5000329 (VCV005000329.1).